The following is an entry in ClinVar:

NM_014714.4(IFT140):c.4073A>G (p.Lys1358Arg)

Gene: IFT140 (intraflagellar transport 140; minus strand). Cytogenetic location: 16p13.3.
Variant type: single nucleotide variant.
Coding change: c.4073A>G on transcript NM_014714.4 (MANE Select); coding-DNA position 4073, A replaced by G.
Protein change: p.Lys1358Arg; replaces lysine 1358 with arginine.
Molecular consequence: missense variant.
Genome position (GRCh38, 1-based): chr16:1,518,325, T>C on the plus strand (A>G on the coding strand, the complement: IFT140 is on the minus strand). VCF-style: chr16-1518325-T-C. GRCh37 (hg19) VCF-style: chr16-1568326-T-C.
Other names: short protein forms K1358R.
Identifiers: ClinVar variation 1464595 (VCV001464595.6), dbSNP rs763363588, ClinGen allele CA7812907.

ClinVar aggregate classification (germline): Uncertain significance. Review status: criteria provided, multiple submitters, no conflicts (2 of 4 stars). 2 submissions from 2 submitters: Uncertain significance (2). Last evaluated 2023-10-01.

Conditions:
Saldino-Mainzer syndrome (SRTD9). Also called: Renal dysplasia, retinal pigmentary dystrophy, cerebellar ataxia and skeletal dysplasia; CONORENAL SYNDROME; SHORT-RIB THORACIC DYSPLASIA 9 WITHOUT POLYDACTYLY; short-rib thoracic dysplasia 9 with or without polydactyly. Identifiers: Orphanet 140969, MedGen C1849437, MONDO:0009964, OMIM 266920.
Retinal dystrophy. Also called: Inherited retinal dystrophy. Identifiers: Orphanet 71862, MedGen C0854723, MeSH D058499, MONDO:0019118, HP:0000556.

Allele frequency attached by ClinVar (database versions not stated): ExAC 0.00001; gnomAD exomes 0.00001.
gnomAD v4.1: 11 of 1,614,086 alleles (0.00068%); highest among the groups gnomAD compares: East Asian, 0.0089%; no homozygotes.

Submissions (2):

Dept Of Ophthalmology, Nagoya University
Classification: Uncertain significance for Retinal dystrophy. Last evaluated: 2023-10-01. Review status: criteria provided, single submitter. Criteria: Submitter's publication. Collection method: research. Allele origin: germline. Affected: yes.

Labcorp Genetics (formerly Invitae), Labcorp
Classification: Uncertain significance for Saldino-Mainzer syndrome. Last evaluated: 2021-08-28. Review status: criteria provided, single submitter. Criteria: Invitae Variant Classification Sherloc (09022015). Collection method: clinical testing. Allele origin: germline.
Comment: This sequence change replaces lysine with arginine at codon 1358 of the IFT140 protein (p.Lys1358Arg). The lysine residue is weakly conserved and there is a small physicochemical difference between lysine and arginine. This variant is present in population databases (rs763363588, ExAC 0.006%). This variant has not been reported in the literature in individuals affected with IFT140-related conditions. Algorithms developed to predict the effect of missense changes on protein structure and function output the following: SIFT: "Tolerated"; PolyPhen-2: "Benign"; Align-GVGD: "Class C0". The arginine amino acid residue is found in multiple mammalian species, which suggests that this missense change does not adversely affect protein function. In summary, the available evidence is currently insufficient to determine the role of this variant in disease. Therefore, it has been classified as a Variant of Uncertain Significance.